The following is an entry in ClinVar:

ClinVar aggregate classification (germline): Uncertain significance (1 of 4 stars; one submission).

Conditions:
Hereditary cancer-predisposing syndrome. Also called: Tumor predisposition; Hereditary Cancer Syndrome; Hereditary neoplastic syndrome; Neoplastic Syndromes, Hereditary. Identifiers: Orphanet 140162, MedGen C0027672, MeSH D009386, MONDO:0015356.

Allele frequency attached by ClinVar (database versions not stated): gnomAD exomes below 0.00001.
gnomAD v4.1: 1 of 1,614,218 alleles (0.000062%); highest among the groups gnomAD compares: Non-Finnish European, 0.000085%; no homozygotes.

Submission:

Ambry Genetics
Classification: Uncertain significance for Hereditary cancer-predisposing syndrome. Last evaluated: 2024-01-23. Review status: criteria provided, single submitter. Criteria: Ambry Variant Classification Scheme 2023. Collection method: clinical testing. Allele origin: germline.
Comment: The p.L140S variant (also known as c.419T>C), located in coding exon 3 of the PTCH1 gene, results from a T to C substitution at nucleotide position 419. The leucine at codon 140 is replaced by serine, an amino acid with dissimilar properties. This amino acid position is highly conserved in available vertebrate species. In addition, this alteration is predicted to be deleterious by in silico analysis. Since supporting evidence is limited at this time, the clinical significance of this alteration remains unclear.

NM_000264.5(PTCH1):c.419T>C (p.Leu140Ser)

Gene: PTCH1 (patched 1; minus strand). Cytogenetic location: 9q22.32.
Variant type: single nucleotide variant.
Coding change: c.419T>C on transcript NM_000264.5 (MANE Select); coding-DNA position 419, T replaced by C.
Protein change: p.Leu140Ser; replaces leucine 140 with serine.
Molecular consequence: missense variant. On other transcripts: 5 prime UTR variant (4), non-coding transcript variant (1).
Genome position (GRCh38, 1-based): chr9:95,485,850, A>G on the plus strand (T>C on the coding strand, the complement: PTCH1 is on the minus strand). VCF-style: chr9-95485850-A-G. GRCh37 (hg19) VCF-style: chr9-98248132-A-G.
Other names: c.221T>C, p.Leu74Ser (NM_001083602.3, NM_001354919.2); c.416T>C, p.Leu139Ser (NM_001083603.3); c.-35T>C (NM_001083604.3, NM_001083605.3, NM_001083606.3 and 1 more transcripts); c.419T>C, p.Leu140Ser (NM_001354918.2); short protein forms L74S, L140S, L139S.
Identifiers: ClinVar variation 486209 (VCV000486209.5), dbSNP rs1554702197, ClinGen allele CA374117268.